The following is an entry in ClinVar:

NM_000038.6(APC):c.6248T>C (p.Ile2083Thr)

Gene: APC (APC regulator of Wnt signaling pathway; plus strand). Cytogenetic location: 5q22.2.
Variant type: single nucleotide variant.
Coding change: c.6248T>C on transcript NM_000038.6 (MANE Select); coding-DNA position 6248, T replaced by C.
Protein change: p.Ile2083Thr; replaces isoleucine 2083 with threonine.
Molecular consequence: missense variant.
Genome position (GRCh38, 1-based): chr5:112,841,842, T>C. VCF-style: chr5-112841842-T-C. GRCh37 (hg19) VCF-style: chr5-112177539-T-C.
Other names: c.6248T>C, p.Ile2083Thr (NM_001127510.3, NM_001354895.2); c.6194T>C, p.Ile2065Thr (NM_001127511.3); c.6302T>C, p.Ile2101Thr (NM_001354896.2); c.6278T>C, p.Ile2093Thr (NM_001354897.2); c.6173T>C, p.Ile2058Thr (NM_001354898.2); c.6164T>C, p.Ile2055Thr (NM_001354899.2); c.6125T>C, p.Ile2042Thr (NM_001354900.2); c.6071T>C, p.Ile2024Thr (NM_001354901.2); and 5 more; short protein forms I2065T, I2083T, I1982T, I2058T, I1957T, I1992T, I2024T, I2042T.
Identifiers: ClinVar variation 231624 (VCV000231624.37), dbSNP rs758715972, ClinGen allele CA044184.

ClinVar aggregate classification (germline): Uncertain significance. Review status: criteria provided, multiple submitters, no conflicts (2 of 4 stars). 10 submissions from 10 submitters: Uncertain significance (10). Last evaluated 2026-01-13.

Conditions:
Classic or attenuated familial adenomatous polyposis. Identifiers: MedGen CN372698, MONDO:0021057.
Hereditary cancer-predisposing syndrome. Also called: Neoplastic Syndromes, Hereditary; Tumor predisposition; Hereditary Cancer Syndrome; Hereditary neoplastic syndrome. Identifiers: Orphanet 140162, MedGen C0027672, MeSH D009386, MONDO:0015356.
Familial adenomatous polyposis 1 (FAP1). Also called: FAMILIAL ADENOMATOUS POLYPOSIS 1, ATTENUATED; POLYPOSIS, ADENOMATOUS INTESTINAL. Identifiers: MedGen C2713442, MONDO:0021056, OMIM 175100. Disease mechanism: loss of function.

Allele frequency attached by ClinVar (database versions not stated): ExAC 0.00001; TOPMed 0.00001.
gnomAD v4.1: 11 of 1,613,726 alleles (0.00068%); highest among the groups gnomAD compares: East Asian, 0.0022%; no homozygotes.

Submissions (10):

Labcorp Genetics (formerly Invitae), Labcorp
Classification: Uncertain significance for Familial adenomatous polyposis 1. Last evaluated: 2026-01-13. Review status: criteria provided, single submitter. Criteria: Invitae Variant Classification Sherloc (09022015). Collection method: clinical testing. Allele origin: germline.
Comment: This sequence change replaces isoleucine, which is neutral and non-polar, with threonine, which is neutral and polar, at codon 2083 of the APC protein (p.Ile2083Thr). This variant is present in population databases (rs758715972, gnomAD 0.006%). This variant has not been reported in the literature in individuals affected with APC-related conditions. ClinVar contains an entry for this variant (Variation ID: 231624). Invitae Evidence Modeling of protein sequence and biophysical properties (such as structural, functional, and spatial information, amino acid conservation, physicochemical variation, residue mobility, and thermodynamic stability) indicates that this missense variant is not expected to disrupt APC protein function with a negative predictive value of 95%. In summary, the available evidence is currently insufficient to determine the role of this variant in disease. Therefore, it has been classified as a Variant of Uncertain Significance.

Quest Diagnostics Nichols Institute San Juan Capistrano
Classification: Uncertain significance. Last evaluated: 2025-07-02. Review status: criteria provided, single submitter. Criteria: Quest Diagnostics criteria. Collection method: clinical testing. Allele origin: unknown.
Comment: The APC c.6248T>C (p.Ile2083Thr) variant has been reported in the published literature in an individual undergoing genetic testing for hereditary breast and ovarian cancer syndrome (PMID: 38136308 (2023)). The frequency of this variant in the general population (Genome Aggregation Database) is uninformative in the assessment of its pathogenicity. Analysis of this variant using bioinformatics tools for the prediction of the effect of amino acid changes on protein structure and function yielded predictions that this variant is benign. Based on the available information, we are unable to determine the clinical significance of this variant.

Ambry Genetics
Classification: Uncertain significance for Hereditary cancer-predisposing syndrome. Last evaluated: 2025-04-11. Review status: criteria provided, single submitter. Criteria: Ambry Variant Classification Scheme 2023. Collection method: clinical testing. Allele origin: germline.
Comment: The p.I2083T variant (also known as c.6248T>C), located in coding exon 15 of the APC gene, results from a T to C substitution at nucleotide position 6248. The isoleucine at codon 2083 is replaced by threonine, an amino acid with similar properties. This amino acid position is not well conserved in available vertebrate species. In addition, in silico predictors for this gene do not accurately predict pathogenicity. Since supporting evidence is limited at this time, the clinical significance of this alteration remains unclear.

All of Us Research Program, National Institutes of Health
Classification: Uncertain significance for Classic or attenuated familial adenomatous polyposis. Last evaluated: 2024-05-14. Review status: criteria provided, single submitter. Criteria: ACMG Guidelines, 2015. Collection method: clinical testing. Allele origin: germline. Inheritance: Autosomal dominant inheritance. Observed: 5 variant alleles, 5 heterozygotes.
Comment: This missense variant replaces isoleucine with threonine at codon 2083 of the APC protein. Computational prediction suggests that this variant may not impact protein structure and function (internally defined REVEL score threshold <= 0.5, PMID: 27666373). To our knowledge, functional studies have not been reported for this variant. This variant has not been reported in individuals affected with APC-related disorders in the literature. This variant has been identified in 1/250626 chromosomes in the general population by the Genome Aggregation Database (gnomAD). The available evidence is insufficient to determine the role of this variant in disease conclusively. Therefore, this variant is classified as a Variant of Uncertain Significance.

This study involves interpretation of variants in research participants for the purpose of population health screening. Participant phenotype was not available at the time of variant classification. Additional details can be found in publication PMID: 35346344, PMCID: PMC8962531

Color Diagnostics, LLC DBA Color Health
Classification: Uncertain significance for Hereditary cancer-predisposing syndrome. Last evaluated: 2024-03-18. Review status: criteria provided, single submitter. Criteria: ACMG Guidelines, 2015. Collection method: clinical testing. Allele origin: germline.
Comment: This missense variant replaces isoleucine with threonine at codon 2083 of the APC protein. Computational prediction suggests that this variant may not impact protein structure and function (internally defined REVEL score threshold <= 0.5, PMID: 27666373). To our knowledge, functional studies have not been reported for this variant. This variant has not been reported in individuals affected with APC-related disorders in the literature. This variant has been identified in 1/250626 chromosomes in the general population by the Genome Aggregation Database (gnomAD). The available evidence is insufficient to determine the role of this variant in disease conclusively. Therefore, this variant is classified as a Variant of Uncertain Significance.

GeneDx
Classification: Uncertain significance. Last evaluated: 2023-12-01. Review status: criteria provided, single submitter. Criteria: GeneDx Variant Classification Process June 2021. Collection method: clinical testing. Allele origin: germline. Affected: yes.
Comment: Not observed at significant frequency in large population cohorts (gnomAD); In silico analysis supports that this missense variant does not alter protein structure/function; Has not been previously published as pathogenic or benign to our knowledge

Baylor Genetics
Classification: Uncertain significance for Familial adenomatous polyposis 1. Last evaluated: 2023-11-24. Review status: criteria provided, single submitter. Criteria: ACMG Guidelines, 2015. Collection method: clinical testing. Allele origin: unknown.

Institute for Clinical Genetics, University Hospital TU Dresden, University Hospital TU Dresden
Classification: Uncertain significance. Last evaluated: 2021-11-03. Review status: criteria provided, single submitter. Criteria: ACMG Guidelines, 2015. Collection method: clinical testing. Allele origin: germline.

Women's Health and Genetics/Laboratory Corporation of America, LabCorp
Classification: Uncertain significance. Last evaluated: 2021-04-24. Review status: criteria provided, single submitter. Criteria: LabCorp Variant Classification Summary - May 2015. Collection method: clinical testing. Allele origin: germline.
Comment: Variant summary: APC c.6248T>C (p.Ile2083Thr) results in a non-conservative amino acid change in the encoded protein sequence. Four of five in-silico tools predict a benign effect of the variant on protein function. The variant allele was found at a frequency of 4e-06 in 250626 control chromosomes. The available data on variant occurrences in the general population are insufficient to allow any conclusion about variant significance. To our knowledge, no occurrence of c.6248T>C in individuals affected with Familial Adenomatous Polyposis and no experimental evidence demonstrating its impact on protein function have been reported. Three clinical diagnostic laboratories have submitted clinical-significance assessments for this variant to ClinVar after 2014 without evidence for independent evaluation. All laboratories classified the variant as uncertain significance. Based on the evidence outlined above, the variant was classified as uncertain significance.

ARUP Laboratories, Molecular Genetics and Genomics, ARUP Laboratories
Classification: Uncertain significance. Last evaluated: 2021-04-22. Review status: criteria provided, single submitter. Criteria: ARUP Molecular Germline Variant Investigation Process 2021. Collection method: clinical testing. Allele origin: germline.
Comment: The APC c.6248T>C; p.Ile2083Thr variant (rs758715972), to our knowledge, has not been reported in the medical literature; however, this variant is listed in the ClinVar database (Variation ID: 231624). This variant is found in the general population with an overall allele frequency of 0.0004% (1/250,626 alleles) in the Genome Aggregation Database. The isoleucine at codon 2083 is weakly conserved, but computational analyses are uncertain whether this variant is neutral or deleterious (REVEL: 0.171). The vast majority of pathogenic APC variants are truncating nonsense or frameshift variants (see InSiGHt, Kerr 2013). However, based on the available information, the clinical significance of this variant is uncertain. References: Kerr SE et al. APC germline mutations in individuals being evaluated for familial adenomatous polyposis: a review of the Mayo Clinic experience with 1591 consecutive tests. J Mol Diagn. 2013 Jan;15(1):31-43.

Literature cited by the submitters: PubMed 38136308 (cited by Quest Diagnostics Nichols Institute San Juan Capistrano).